The following is an entry in ClinVar:

NM_001267550.2(TTN):c.98091A>C (p.Glu32697Asp)

Genes: TTN (titin; minus strand), TTN-AS1 (TTN antisense RNA 1; plus strand). Cytogenetic location: 2q31.2.
Variant type: single nucleotide variant.
Coding change: c.98091A>C on transcript NM_001267550.2 (MANE Select); coding-DNA position 98091, A replaced by C.
Protein change: p.Glu32697Asp; replaces glutamic acid 32697 with aspartic acid.
Molecular consequence: missense variant.
Genome position (GRCh38, 1-based): chr2:178,540,075, T>G on the plus strand (A>C on the coding strand, the complement: TTN is on the minus strand). VCF-style: chr2-178540075-T-G. GRCh37 (hg19) VCF-style: chr2-179404802-T-G.
Other names: c.93168A>C, p.Glu31056Asp (NM_001256850.1); c.70896A>C, p.Glu23632Asp (NM_003319.4); c.90387A>C, p.Glu30129Asp (NM_133378.4); c.71271A>C, p.Glu23757Asp (NM_133432.3); c.71472A>C, p.Glu23824Asp (NM_133437.4); short protein forms E23632D, E23824D, E30129D, E23757D, E32697D, E31056D.
Identifiers: ClinVar variation 1757065 (VCV001757065.2), dbSNP rs748057839, ClinGen allele CA1986445.

ClinVar aggregate classification (germline): Uncertain significance (1 of 4 stars; one submission).

Conditions:
Cardiovascular phenotype. Identifiers: MedGen CN230736.

Allele frequency attached by ClinVar (database versions not stated): TOPMed below 0.00001; gnomAD 0.00001; gnomAD exomes 0.00001; ExAC 0.00003.
gnomAD v4.1: 10 of 1,599,518 alleles (0.00063%); highest among the groups gnomAD compares: East Asian, 0.02%; no homozygotes.

Submission:

Ambry Genetics
Classification: Uncertain significance for Cardiovascular phenotype. Last evaluated: 2019-12-27. Review status: criteria provided, single submitter. Criteria: Ambry Variant Classification Scheme 2023. Collection method: clinical testing. Allele origin: germline.
Comment: The p.E23632D variant (also known as c.70896A>C), located in coding exon 178 of the TTN gene, results from an A to C substitution at nucleotide position 70896. The glutamic acid at codon 23632 is replaced by aspartic acid, an amino acid with highly similar properties. This amino acid position is highly conserved in available vertebrate species. In addition, this alteration is predicted to be tolerated by in silico analysis. Since supporting evidence is limited at this time, the clinical significance of this alteration remains unclear.